The following is an entry in ClinVar:

NM_001378609.3(OTOGL):c.918G>A (p.Pro306=)

Gene: OTOGL (otogelin like; plus strand). Cytogenetic location: 12q21.31.
Variant type: single nucleotide variant.
Coding change: c.918G>A on transcript NM_001378609.3 (MANE Select); coding-DNA position 918, G replaced by A.
Protein change: p.Pro306=; no amino-acid change (proline 306 retained).
Molecular consequence: synonymous variant.
Genome position (GRCh38, 1-based): chr12:80,238,951, G>A. VCF-style: chr12-80238951-G-A. GRCh37 (hg19) VCF-style: chr12-80632731-G-A.
Other names: c.918G>A, p.Pro306= (NM_001368062.3, NM_001378610.3, NM_173591.7).
Identifiers: ClinVar variation 666634 (VCV000666634.18), dbSNP rs138795425, ClinGen allele CA6700299.

ClinVar aggregate classification (germline): Benign/Likely benign. Review status: criteria provided, multiple submitters, no conflicts (2 of 4 stars). 6 submissions from 6 submitters: Benign (4); Likely benign (2). Last evaluated 2026-04-01.

Allele frequency attached by ClinVar (database versions not stated): gnomAD exomes 0.00039 and 0.00089; ExAC 0.00120; 1000 Genomes Project 0.00280; 1000 Genomes Project 30x 0.00281; gnomAD 0.00334 and 0.00356; ESP Exome Variant Server 0.00340; TOPMed 0.00386.
gnomAD v4.1: 1,091 of 1,597,510 alleles (0.068%); highest among the groups gnomAD compares: African/African-American, 1.1%; 12 homozygotes.

Submissions (6):

CeGaT Center for Human Genetics Tuebingen
Classification: Likely benign. Last evaluated: 2026-04-01. Review status: criteria provided, single submitter. Criteria: CeGaT Center For Human Genetics Tuebingen Variant Classification Criteria Version 2. Collection method: clinical testing. Allele origin: germline. Affected: yes. Observed: 1 variant allele.
Comment: OTOGL: BP4, BP7, BS1

Labcorp Genetics (formerly Invitae), Labcorp
Classification: Benign. Last evaluated: 2026-01-19. Review status: criteria provided, single submitter. Criteria: Invitae Variant Classification Sherloc (09022015). Collection method: clinical testing. Allele origin: germline.

Blueprint Genetics
Classification: Likely benign. Last evaluated: 2024-09-02. Review status: criteria provided, single submitter. Criteria: ACMG Guidelines, 2015. Collection method: clinical testing. Allele origin: germline.

GeneDx
Classification: Benign. Last evaluated: 2019-04-15. Review status: criteria provided, single submitter. Criteria: GeneDx Variant Classification Process June 2021. Collection method: clinical testing. Allele origin: germline. Affected: yes.

Laboratory for Molecular Medicine, Mass General Brigham Personalized Medicine
Classification: Benign. Last evaluated: 2014-11-24. Review status: criteria provided, single submitter. Criteria: LMM Criteria. Collection method: clinical testing. Allele origin: germline. Observed: 1 variant allele.
Comment: Pro297Pro in exon 9 of OTOGL: This variant is not expected to have clinical sign ificance because it does not alter an amino acid residue and is not located with in the splice consensus sequence. It has been identified in 1.1% (40/3800) of Af rican American chromosomes from a broad population by the NHLBI Exome Sequencing Project (dbSNP rs138795425).

Breakthrough Genomics
Classification: Benign. Review status: criteria provided, single submitter. Criteria: ACMG Guidelines, 2015. Collection method: not provided. Allele origin: germline. Inheritance: Autosomal recessive inheritance. Affected: yes.